The following is an entry in ClinVar:

ClinVar aggregate classification (germline): Likely pathogenic (1 of 4 stars; one submission).

Conditions:
Hereditary cancer-predisposing syndrome. Also called: Neoplastic Syndromes, Hereditary; Tumor predisposition; Hereditary Cancer Syndrome; Hereditary neoplastic syndrome. Identifiers: Orphanet 140162, MedGen C0027672, MeSH D009386, MONDO:0015356.

Submissions (2):

Ambry Genetics
Classification: Likely pathogenic for Hereditary cancer-predisposing syndrome. Last evaluated: 2017-12-27. Review status: criteria provided, single submitter. Criteria: Ambry Variant Classification Scheme 2023. Collection method: clinical testing. Allele origin: germline.
Comment: The p.E1849* variant (also known as c.5545G>T), located in coding exon 22 of the BRCA1 gene, results from a G to T substitution at nucleotide position 5545. This changes the amino acid from a glutamic acid to a stop codon within coding exon 22. This pathogenic mutation impacts only the last 16 amino acids of the BRCA1 protein; however some of these amino acid residues are located in the crucial BRCT domain of the protein. As such, this variant is likely to be pathogenic.

Brotman Baty Institute, University of Washington
No classification provided (evidence only). Condition: Breast-ovarian cancer, familial 1. Review status: no classification provided. Collection method: in vitro. Allele origin: not applicable. Functional consequence: functionally_abnormal. Not counted in ClinVar's aggregate classification.
ClinVar note: "not provided" was previously submitted as the classification for the variant. However, the classification appeared to be based only on an observation of functional data so it was converted to no classification on 2025-07-30.

Literature cited by the submitters: PubMed 27489289 (cited by Ambry Genetics).

NM_007294.4(BRCA1):c.5545G>T (p.Glu1849Ter)

Gene: BRCA1 (BRCA1 DNA repair associated; minus strand). Cytogenetic location: 17q21.31.
Variant type: single nucleotide variant.
Coding change: c.5545G>T on transcript NM_007294.4 (MANE Select); coding-DNA position 5545, G replaced by T.
Protein change: p.Glu1849Ter; replaces glutamic acid 1849 with a stop codon.
Molecular consequence: nonsense. On other transcripts: 3 prime UTR variant (1), non-coding transcript variant (1).
Genome position (GRCh38, 1-based): chr17:43,045,725, C>A on the plus strand (G>T on the coding strand, the complement: BRCA1 is on the minus strand). VCF-style: chr17-43045725-C-A. GRCh37 (hg19) VCF-style: chr17-41197742-C-A.
Other names: c.5461G>T, p.Glu1821Ter (NM_001407663.1, NM_001407659.1, NM_001407660.1 and 2 more transcripts); c.5422G>T, p.Glu1808Ter (NM_001407664.1, NM_001407665.1, NM_001407666.1 and 3 more transcripts); c.5419G>T, p.Glu1807Ter (NM_001407670.1, NM_001407671.1, NM_001407672.1 and 8 more transcripts); c.5467G>T, p.Glu1823Ter (NM_001407654.1, NM_001407655.1, NM_001407652.1 and 1 more transcripts); c.5464G>T, p.Glu1822Ter (NM_001407656.1, NM_001407657.1, NM_001407658.1); c.5416G>T, p.Glu1806Ter (NM_001407681.1, NM_001407682.1, NM_001407683.1 and 6 more transcripts); c.5404G>T, p.Glu1802Ter (NM_001407692.1, NM_001407694.1, NM_001407695.1 and 12 more transcripts); c.5401G>T, p.Glu1801Ter (NM_001407737.1, NM_001407738.1, NM_001407739.1 and 18 more transcripts); and 74 more; short protein forms E1870*, E1802*, E1849*, E745*, E1553*, E1680*, E1720*, E1738*.
Identifiers: ClinVar variation 869030 (VCV000869030.5), dbSNP rs2050864747, ClinGen allele CA10590231.
Genomic context (GRCh38, chr17:43,045,725, plus strand): 5'-TGGCTGGCTGCAGTCAGTAGTGGCTGTGGGGGATCTGGGGTATCAGGTAGGTGTCCAGCT[C>A]CTGGCACTGGTAGAGTGCTACACTGTCCAACACCCACTCTCGGGTCACCACAGGTGCCTC-3'